The following is an entry in ClinVar:

ClinVar aggregate classification (germline): Uncertain significance (1 of 4 stars; one submission).

Conditions:
Familial cancer of breast. Also called: BREAST CANCER, FAMILIAL; Hereditary breast cancer; hereditary breast carcinoma. Identifiers: Orphanet 227535, MedGen C0346153, MONDO:0016419, OMIM 114480. Disease mechanism: loss of function.
Fanconi anemia complementation group J. Also called: BRIP1-Related Fanconi Anemia. Identifiers: Orphanet 84, MedGen C1836860, MONDO:0012187, OMIM 609054.

Submission:

Labcorp Genetics (formerly Invitae), Labcorp
Classification: Uncertain significance for Familial cancer of breast; Fanconi anemia complementation group J. Last evaluated: 2024-12-09. Review status: criteria provided, single submitter. Criteria: Invitae Variant Classification Sherloc (09022015). Collection method: clinical testing. Allele origin: germline.
Comment: This sequence change creates a premature translational stop signal (p.Phe1171Leufs*6) in the BRIP1 gene. While this is not anticipated to result in nonsense mediated decay, it is expected to disrupt the last 79 amino acid(s) of the BRIP1 protein. This variant is not present in population databases (gnomAD no frequency). This variant has not been reported in the literature in individuals affected with BRIP1-related conditions. ClinVar contains an entry for this variant (Variation ID: 2126648). Experimental studies and prediction algorithms are not available or were not evaluated, and the functional significance of this variant is currently unknown. In summary, the available evidence is currently insufficient to determine the role of this variant in disease. Therefore, it has been classified as a Variant of Uncertain Significance.

NM_032043.3(BRIP1):c.3513del (p.Phe1171fs)

Gene: BRIP1 (BRCA1 interacting DNA helicase 1; minus strand). Cytogenetic location: 17q23.2.
Variant type: Deletion.
Coding change: c.3513del on transcript NM_032043.3 (MANE Select); coding-DNA position 3513, one base deleted (T; older notation c.3513delT).
Protein change: p.Phe1171fs; shifts the reading frame from phenylalanine 1171.
Molecular consequence: frameshift variant.
Genome position (GRCh38, 1-based): chr17:61,683,533, A deleted on the plus strand (T on the coding strand, the reverse complement: BRIP1 is on the minus strand); the first of 5 consecutive A bases (chr17:61,683,533-61,683,537); deleting any one gives the same sequence. VCF-style (leftmost placement, unchanged base first): chr17-61683532-CA-C. GRCh37 (hg19) VCF-style: chr17-59760893-CA-C.
Other names: short protein forms F1171fs.
Identifiers: ClinVar variation 2126648 (VCV002126648.4), dbSNP rs2544554606, ClinGen allele CA2580094553.